The following is an entry in ClinVar:

NM_001079855.2(GYG2):c.845A>G (p.His282Arg)

Gene: GYG2 (glycogenin 2; plus strand). Cytogenetic location: Xp22.33.
Variant type: single nucleotide variant.
Coding change: c.845A>G on transcript NM_001079855.2 (MANE Select); coding-DNA position 845, A replaced by G.
Protein change: p.His282Arg; replaces histidine 282 with arginine.
Molecular consequence: missense variant.
Genome position (GRCh38, 1-based): chrX:2,861,529, A>G. VCF-style: chrX-2861529-A-G. GRCh37 (hg19) VCF-style: chrX-2779570-A-G.
Other names: c.845A>G, p.His282Arg (NM_001184702.2); c.938A>G, p.His313Arg (NM_001184703.2, NM_003918.3); c.380A>G, p.His127Arg (NM_001184704.2); short protein forms H313R, H282R, H127R.
Identifiers: ClinVar variation 379983 (VCV000379983.10), dbSNP rs2306735, ClinGen allele CA10337191.
Genomic context (GRCh38, chrX:2,861,529, plus strand): 5'-GTGAATTGAGGAGACATAGGGAAGACTCACTCCACGTGTGTGTTTTTGTGCAGCTTTGCC[A>G]CAGTGATGTGGGGGGGCCGTGTGCGGATTCAGCCTCTGGTGTTGGAGAGCCGTGTGAAAA-3'
Protein context (NP_001073324.1, residues 272-292): ARASPGHTLC[His282Arg]SDVGGPCADS

ClinVar aggregate classification (germline): Benign. Review status: criteria provided, multiple submitters, no conflicts (2 of 4 stars). 3 submissions from 3 submitters: Benign (3). Last evaluated 2026-02-03.

Allele frequency attached by ClinVar (database versions not stated): 1000 Genomes Project 0.57536; ESP Exome Variant Server 0.59180; ExAC 0.66782; 1000 Genomes Project 30x 0.56941; TOPMed 0.58753; gnomAD 0.60652; gnomAD exomes 0.66456.

Submissions (3):

Labcorp Genetics (formerly Invitae), Labcorp
Classification: Benign. Last evaluated: 2026-02-03. Review status: criteria provided, single submitter. Criteria: Invitae Variant Classification Sherloc (09022015). Collection method: clinical testing. Allele origin: germline.

GeneDx
Classification: Benign. Last evaluated: 2015-12-04. Review status: criteria provided, single submitter. Criteria: GeneDx Variant Classification (06012015). Collection method: clinical testing. Allele origin: germline. Affected: yes.
Comment: This variant is considered likely benign or benign based on one or more of the following criteria: it is a conservative change, it occurs at a poorly conserved position in the protein, it is predicted to be benign by multiple in silico algorithms, and/or has population frequency not consistent with disease.

Breakthrough Genomics
Classification: Benign. Review status: criteria provided, single submitter. Criteria: ACMG Guidelines, 2015. Collection method: not provided. Allele origin: germline. Inheritance: Unknown mechanism. Affected: yes.